The following is an entry in ClinVar:

ClinVar aggregate classification (germline): Likely pathogenic (1 of 4 stars; one submission).

Submission:

GeneDx
Classification: Likely pathogenic. Last evaluated: 2023-04-05. Review status: criteria provided, single submitter. Criteria: GeneDx Variant Classification Process June 2021. Collection method: clinical testing. Allele origin: germline. Affected: yes.
Comment: Not observed at significant frequency in large population cohorts (gnomAD); In silico analysis supports that this missense variant does not alter protein structure/function; This variant is associated with the following publications: (PMID: 36586412)

NM_201599.3(ZMYM3):c.2255A>G (p.Tyr752Cys)

Gene: ZMYM3 (zinc finger MYM-type containing 3; minus strand). Cytogenetic location: Xq13.1.
Variant type: single nucleotide variant.
Coding change: c.2255A>G on transcript NM_201599.3 (MANE Select); coding-DNA position 2255, A replaced by G.
Protein change: p.Tyr752Cys; replaces tyrosine 752 with cysteine.
Molecular consequence: missense variant.
Genome position (GRCh38, 1-based): chrX:71,247,404, T>C on the plus strand (A>G on the coding strand, the complement: ZMYM3 is on the minus strand). VCF-style: chrX-71247404-T-C. GRCh37 (hg19) VCF-style: chrX-70467254-T-C.
Other names: c.2255A>G, p.Tyr752Cys (NM_001171162.1, NM_005096.3); short protein forms Y752C.
Identifiers: ClinVar variation 3342365 (VCV003342365.1).